The following is an entry in ClinVar:

ClinVar aggregate classification (germline): Uncertain significance (1 of 4 stars; one submission).

Conditions:
Neuropathy, hereditary sensory and autonomic, type 2A (HSAN2A). Also called: MORVAN DISEASE; NEUROPATHY, CONGENITAL SENSORY; NEUROPATHY, HEREDITARY SENSORY RADICULAR, AUTOSOMAL RECESSIVE; NEUROPATHY, HEREDITARY SENSORY, TYPE IIA; NEUROPATHY, PROGRESSIVE SENSORY, OF CHILDREN; ACROOSTEOLYSIS, GIACCAI TYPE. Identifiers: Orphanet 970, MedGen C2752089, MONDO:0024309, OMIM 201300.
Generalized epilepsy with febrile seizures plus, type 7 (GEFSP7). Also called: GEFS+, TYPE 7. Identifiers: Orphanet 36387, MedGen C2751778, MONDO:0013470, OMIM 613863.

Submission:

Labcorp Genetics (formerly Invitae), Labcorp
Classification: Uncertain significance for Neuropathy, hereditary sensory and autonomic, type 2A; Generalized epilepsy with febrile seizures plus, type 7. Last evaluated: 2024-05-06. Review status: criteria provided, single submitter. Criteria: Invitae Variant Classification Sherloc (09022015). Collection method: clinical testing. Allele origin: germline.
Comment: This sequence change replaces lysine, which is basic and polar, with threonine, which is neutral and polar, at codon 1335 of the SCN9A protein (p.Lys1335Thr). This variant is not present in population databases (gnomAD no frequency). This variant has not been reported in the literature in individuals affected with SCN9A-related conditions. Advanced modeling of protein sequence and biophysical properties (such as structural, functional, and spatial information, amino acid conservation, physicochemical variation, residue mobility, and thermodynamic stability) performed at Invitae indicates that this missense variant is not expected to disrupt SCN9A protein function with a negative predictive value of 95%. In summary, the available evidence is currently insufficient to determine the role of this variant in disease. Therefore, it has been classified as a Variant of Uncertain Significance.

NM_001365536.1(SCN9A):c.4037A>C (p.Lys1346Thr)

Genes: SCN1A-AS1 (SCN1A and SCN9A antisense RNA 1; plus strand), SCN9A (sodium voltage-gated channel alpha subunit 9; minus strand). Cytogenetic location: 2q24.3.
Variant type: single nucleotide variant.
Coding change: c.4037A>C on transcript NM_001365536.1 (MANE Select); coding-DNA position 4037, A replaced by C.
Protein change: p.Lys1346Thr; replaces lysine 1346 with threonine.
Molecular consequence: missense variant.
Genome position (GRCh38, 1-based): chr2:166,228,860, T>G on the plus strand (A>C on the coding strand, the complement: SCN9A is on the minus strand). VCF-style: chr2-166228860-T-G. GRCh37 (hg19) VCF-style: chr2-167085370-T-G.
Other names: c.4004A>C, p.Lys1335Thr (NM_002977.4); short protein forms K1335T, K1346T.
Identifiers: ClinVar variation 3755910 (VCV003755910.2).